The following is an entry in ClinVar:

NM_018979.4(WNK1):c.6797G>T (p.Gly2266Val)

Gene: WNK1 (WNK lysine deficient protein kinase 1; plus strand). Cytogenetic location: 12p13.33.
Variant type: single nucleotide variant.
Coding change: c.6797G>T on transcript NM_018979.4 (MANE Select); coding-DNA position 6797, G replaced by T.
Protein change: p.Gly2266Val; replaces glycine 2266 with valine.
Molecular consequence: missense variant.
Genome position (GRCh38, 1-based): chr12:908,000, G>T. VCF-style: chr12-908000-G-T. GRCh37 (hg19) VCF-style: chr12-1017166-G-T.
Other names: c.7577G>T, p.Gly2526Val (NM_001184985.2); c.6053G>T, p.Gly2018Val (NM_014823.3); c.7553G>T, p.Gly2518Val (NM_213655.5); short protein forms G2518V, G2266V, G2018V, G2526V.
Identifiers: ClinVar variation 576874 (VCV000576874.9), dbSNP rs770327670, ClinGen allele CA6383491.

ClinVar aggregate classification (germline): Uncertain significance. Review status: criteria provided, multiple submitters, no conflicts (2 of 4 stars). 2 submissions from 2 submitters: Uncertain significance (2). Last evaluated 2024-06-15.

Conditions:
Neuropathy, hereditary sensory and autonomic, type 2A (HSAN2A). Also called: HSAN IIA; ACROOSTEOLYSIS, GIACCAI TYPE; ACROOSTEOLYSIS, NEUROGENIC; WNK1-Related HSAN2 (HSAN2A); MORVAN DISEASE; NEUROPATHY, CONGENITAL SENSORY. Identifiers: Orphanet 970, MedGen C2752089, MONDO:0024309, OMIM 201300.
Pseudohypoaldosteronism type 2C (PHA2C). Also called: Pseudohypoaldosteronism Type IIC. Identifiers: Orphanet 757, Orphanet 88940, MedGen C1840391, MONDO:0013778, OMIM 614492.

Allele frequency attached by ClinVar (database versions not stated): gnomAD 0.00001 and 0.00002; ExAC 0.00002; gnomAD exomes 0.00002; TOPMed 0.00002.
gnomAD v4.1: 39 of 1,614,050 alleles (0.0024%); highest among the groups gnomAD compares: Non-Finnish European, 0.0031%; no homozygotes.

Submissions (2):

Labcorp Genetics (formerly Invitae), Labcorp
Classification: Uncertain significance for Neuropathy, hereditary sensory and autonomic, type 2A; Pseudohypoaldosteronism type 2C. Last evaluated: 2024-06-15. Review status: criteria provided, single submitter. Criteria: Invitae Variant Classification Sherloc (09022015). Collection method: clinical testing. Allele origin: germline.
Comment: This sequence change replaces glycine, which is neutral and non-polar, with valine, which is neutral and non-polar, at codon 2518 of the WNK1 protein (p.Gly2518Val). This variant is present in population databases (rs770327670, gnomAD 0.003%). This variant has not been reported in the literature in individuals affected with WNK1-related conditions. ClinVar contains an entry for this variant (Variation ID: 576874). Experimental studies and prediction algorithms are not available or were not evaluated, and the functional significance of this variant is currently unknown. In summary, the available evidence is currently insufficient to determine the role of this variant in disease. Therefore, it has been classified as a Variant of Uncertain Significance.

Fulgent Genetics
Classification: Uncertain significance for Neuropathy, hereditary sensory and autonomic, type 2A; Pseudohypoaldosteronism type 2C. Last evaluated: 2022-04-17. Review status: criteria provided, single submitter. Criteria: ACMG Guidelines, 2015. Collection method: clinical testing. Allele origin: unknown.